The following is an entry in ClinVar:

ClinVar aggregate classification (germline): Likely benign. Review status: criteria provided, multiple submitters, no conflicts (2 of 4 stars). 3 submissions from 3 submitters: Likely benign (3). Last evaluated 2023-02-10.

Conditions:
Familial thoracic aortic aneurysm and aortic dissection (TAAD). Also called: Thoracic aortic aneurysms and dissections. Identifiers: Orphanet 91387, MedGen C4707243, MONDO:0019625.
Ehlers-Danlos syndrome, type 4 (EDSVASC). Also called: Ehlers-Danlos Syndrome Type IV; Ehlers-Danlos syndrome vascular type; Ehlers Danlos syndrome, ecchymotic type; Ehlers Danlos syndrome, arterial type; Ehlers Danlos syndrome, Sack-Barabas type. Identifiers: Orphanet 286, MedGen C0268338, MONDO:0017314, OMIM 130050.

Allele frequency attached by ClinVar (database versions not stated): gnomAD exomes below 0.00001.
gnomAD v4.1: 1 of 1,613,880 alleles (0.000062%); highest among the groups gnomAD compares: Non-Finnish European, 0.000085%; no homozygotes.

Submissions (3):

All of Us Research Program, National Institutes of Health
Classification: Likely benign for Ehlers-Danlos syndrome, type 4. Last evaluated: 2023-02-10. Review status: criteria provided, single submitter. Criteria: ACMG Guidelines, 2015. Collection method: clinical testing. Allele origin: germline. Inheritance: Autosomal dominant inheritance. Observed: 1 variant allele, 1 heterozygote.
Comment: This study involves interpretation of variants in research participants for the purpose of population health screening. Participant phenotype was not available at the time of variant classification. Additional details can be found in publication PMID: 35346344, PMCID: PMC8962531

Labcorp Genetics (formerly Invitae), Labcorp
Classification: Likely benign for Ehlers-Danlos syndrome, type 4. Last evaluated: 2021-10-08. Review status: criteria provided, single submitter. Criteria: Invitae Variant Classification Sherloc (09022015). Collection method: clinical testing. Allele origin: germline.

Color Diagnostics, LLC DBA Color Health
Classification: Likely benign for Familial thoracic aortic aneurysm and aortic dissection. Last evaluated: 2019-09-04. Review status: criteria provided, single submitter. Criteria: ACMG Guidelines, 2015. Collection method: clinical testing. Allele origin: germline.

NM_000090.4(COL3A1):c.2433C>T (p.Phe811=)

Genes: COL3A1 (collagen type III alpha 1 chain; plus strand), LOC126806446 (P300/CBP strongly-dependent group 1 enhancer GRCh37_chr2:189866210-189867409; plus strand). Cytogenetic location: 2q32.2.
Variant type: single nucleotide variant.
Coding change: c.2433C>T on transcript NM_000090.4 (MANE Select); coding-DNA position 2433, C replaced by T.
Protein change: p.Phe811=; no amino-acid change (phenylalanine 811 retained).
Molecular consequence: synonymous variant.
Genome position (GRCh38, 1-based): chr2:189,002,339, C>T. VCF-style: chr2-189002339-C-T. GRCh37 (hg19) VCF-style: chr2-189867065-C-T.
Identifiers: ClinVar variation 922550 (VCV000922550.14), dbSNP rs1688486002, ClinGen allele CA430311274.